The following is an entry in ClinVar:

ClinVar aggregate classification (germline): Benign. Review status: criteria provided, multiple submitters, no conflicts (2 of 4 stars). 2 submissions from 2 submitters: Benign (2). Last evaluated 2018-06-14.

Allele frequency attached by ClinVar (database versions not stated): TOPMed 0.64295; gnomAD 0.65048 and 0.63738; 1000 Genomes Project 30x 0.54232; 1000 Genomes Project 0.53275.
gnomAD v4.1: 917,715 of 1,517,020 alleles (60%); highest among the groups gnomAD compares: African/African-American, 79%; 283,488 homozygotes.

Submissions (2):

GeneDx
Classification: Benign. Last evaluated: 2018-06-14. Review status: criteria provided, single submitter. Criteria: GeneDx Variant Classification (06012015). Collection method: clinical testing. Allele origin: germline. Affected: yes.
Comment: This variant is considered likely benign or benign based on one or more of the following criteria: it is a conservative change, it occurs at a poorly conserved position in the protein, it is predicted to be benign by multiple in silico algorithms, and/or has population frequency not consistent with disease.

Breakthrough Genomics
Classification: Benign. Review status: criteria provided, single submitter. Criteria: ACMG Guidelines, 2015. Collection method: not provided. Allele origin: germline. Inheritance: Autosomal recessive inheritance. Affected: yes.

NM_001349206.2(LPIN1):c.1359-62T>C

Genes: LPIN1 (lipin 1; plus strand), LOC122756382 (Sharpr-MPRA regulatory region 7856; plus strand). Cytogenetic location: 2p25.1.
Variant type: single nucleotide variant.
Coding change: c.1359-62T>C on transcript NM_001349206.2 (MANE Select); 62 bases into the intron before coding-DNA position 1359, T replaced by C.
Molecular consequence: intron variant.
Genome position (GRCh38, 1-based): chr2:11,784,824, T>C. VCF-style: chr2-11784824-T-C. GRCh37 (hg19) VCF-style: chr2-11924950-T-C.
Other names: c.1506-62T>C (NM_001261428.3); c.1398-62T>C (NM_001349208.2); c.1449-62T>C (NM_001349207.2); c.1269-62T>C (NM_001261427.3); c.1359-62T>C (NM_001349204.2, NM_001349205.2); c.1356-62T>C (NM_001349202.2, NM_001349203.2); c.1251-62T>C (NM_001349200.2, NM_001349199.2, NM_001349201.2 and 1 more transcripts).
Identifiers: ClinVar variation 683089 (VCV000683089.2), dbSNP rs3795974, ClinGen allele CA11000611.